The following is an entry in ClinVar:

NM_012144.4(DNAI1):c.1180G>T (p.Asp394Tyr)

Gene: DNAI1 (dynein axonemal intermediate chain 1; plus strand). Cytogenetic location: 9p13.3.
Variant type: single nucleotide variant.
Coding change: c.1180G>T on transcript NM_012144.4 (MANE Select); coding-DNA position 1180, G replaced by T.
Protein change: p.Asp394Tyr; replaces aspartic acid 394 with tyrosine.
Molecular consequence: missense variant.
Genome position (GRCh38, 1-based): chr9:34,506,743, G>T. VCF-style: chr9-34506743-G-T. GRCh37 (hg19) VCF-style: chr9-34506741-G-T.
Other names: c.1192G>T, p.Asp398Tyr (NM_001281428.2); short protein forms D394Y, D398Y.
Identifiers: ClinVar variation 4066921 (VCV004066921.2).

ClinVar aggregate classification (germline): Uncertain significance. Review status: criteria provided, single submitter (1 of 4 stars). 2 submissions from 2 submitters: Uncertain significance (1). 1 of the submissions does not count toward it. Last evaluated 2025-09-30.

Conditions:
Primary ciliary dyskinesia. Also called: Ciliary dyskinesia. Identifiers: Orphanet 244, MedGen C0008780, MONDO:0016575, HP:0012265.

gnomAD v4.1: 2 of 1,614,140 alleles (0.00012%); highest among the groups gnomAD compares: Non-Finnish European, 0.00017%; no homozygotes.

Submissions (2):

Labcorp Genetics (formerly Invitae), Labcorp
Classification: Uncertain significance for Primary ciliary dyskinesia. Last evaluated: 2025-09-30. Review status: criteria provided, single submitter. Criteria: Invitae Variant Classification Sherloc (09022015). Collection method: clinical testing. Allele origin: germline.
Comment: This sequence change replaces aspartic acid, which is acidic and polar, with tyrosine, which is neutral and polar, at codon 394 of the DNAI1 protein (p.Asp394Tyr). This variant is present in population databases (rs372958889, gnomAD 0.0009%). This variant has not been reported in the literature in individuals affected with DNAI1-related conditions. Invitae Evidence Modeling of protein sequence and biophysical properties (such as structural, functional, and spatial information, amino acid conservation, physicochemical variation, residue mobility, and thermodynamic stability) indicates that this missense variant is not expected to disrupt DNAI1 protein function with a negative predictive value of 80%. In summary, the available evidence is currently insufficient to determine the role of this variant in disease. Therefore, it has been classified as a Variant of Uncertain Significance.

Natera, Inc.
Classification: Uncertain significance for Primary ciliary dyskinesia. Last evaluated: 2025-01-27. Review status: no assertion criteria provided. Collection method: clinical testing. Allele origin: germline. Not counted in ClinVar's aggregate classification.